The following is an entry in ClinVar:

NM_000543.5(SMPD1):c.108G>T (p.Val36=)

Gene: SMPD1 (sphingomyelin phosphodiesterase 1; plus strand). Cytogenetic location: 11p15.4.
Variant type: single nucleotide variant.
Coding change: c.108G>T on transcript NM_000543.5 (MANE Select); coding-DNA position 108, G replaced by T.
Protein change: p.Val36=; no amino-acid change (valine 36 retained).
Molecular consequence: synonymous variant. On other transcripts: 5 prime UTR variant (1), non-coding transcript variant (2).
Genome position (GRCh38, 1-based): chr11:6,390,706, G>T. VCF-style: chr11-6390706-G-T. GRCh37 (hg19) VCF-style: chr11-6411936-G-T.
Other names: c.108G>T, p.Val36= (NM_001007593.3, NM_001318087.2, NM_001365135.2); c.-854G>T (NM_001318088.2); c.108G>T (NM_000543.4).
Identifiers: ClinVar variation 2096596 (VCV002096596.5), dbSNP rs61729852, ClinGen allele CA217299005.

ClinVar aggregate classification (germline): Likely benign. Review status: criteria provided, single submitter (1 of 4 stars). 2 submissions from 2 submitters: Likely benign (1). 1 of the submissions does not count toward it. Last evaluated 2022-08-04.

Conditions:
Niemann-Pick disease, type A. Also called: SPHINGOMYELIN LIPIDOSIS; SPHINGOMYELINASE DEFICIENCY; Infantile Neurovisceral ASMD (Niemann-Pick Disease Type A; NPD-A). Identifiers: Orphanet 77292, MedGen C0268242, MONDO:0009756, OMIM 257200. Disease mechanism: loss of function.
Niemann-Pick disease, type B. Also called: Chronic Visceral ASMD (Niemann-Pick Disease Type B; NPD-B). Identifiers: Orphanet 77293, MedGen C0268243, MONDO:0011871, OMIM 607616. Disease mechanism: loss of function.
SMPD1-related disorder. Also called: SMPD1-related condition.

Allele frequency attached by ClinVar (database versions not stated): TOPMed below 0.00001.

Submissions (2):

Labcorp Genetics (formerly Invitae), Labcorp
Classification: Likely benign for Niemann-Pick disease, type B; Niemann-Pick disease, type A. Last evaluated: 2022-08-04. Review status: criteria provided, single submitter. Criteria: Invitae Variant Classification Sherloc (09022015). Collection method: clinical testing. Allele origin: germline.

PreventionGenetics, part of Exact Sciences
Classification: Likely benign for SMPD1-related condition. Last evaluated: 2024-07-16. Review status: no assertion criteria provided. Collection method: clinical testing. Allele origin: germline. Not counted in ClinVar's aggregate classification.
Comment: This variant is classified as likely benign based on ACMG/AMP sequence variant interpretation guidelines (Richards et al. 2015 PMID: 25741868, with internal and published modifications).